The following is an entry in ClinVar:

NM_002471.4(MYH6):c.2334G>A (p.Met778Ile)

Gene: MYH6 (myosin heavy chain 6; minus strand). Cytogenetic location: 14q11.2.
Variant type: single nucleotide variant.
Coding change: c.2334G>A on transcript NM_002471.4 (MANE Select); coding-DNA position 2334, G replaced by A.
Protein change: p.Met778Ile; replaces methionine 778 with isoleucine.
Molecular consequence: missense variant.
Genome position (GRCh38, 1-based): chr14:23,396,379, C>T on the plus strand (G>A on the coding strand, the complement: MYH6 is on the minus strand). VCF-style: chr14-23396379-C-T. GRCh37 (hg19) VCF-style: chr14-23865588-C-T.
Other names: short protein forms M778I.
Identifiers: ClinVar variation 2728083 (VCV002728083.3), dbSNP rs1367322391, ClinGen allele CA389016369.

ClinVar aggregate classification (germline): Uncertain significance (1 of 4 stars; one submission).

Conditions:
Hypertrophic cardiomyopathy 14. Identifiers: MedGen C2750467, MONDO:0013197, OMIM 613251.

Submission:

Labcorp Genetics (formerly Invitae), Labcorp
Classification: Uncertain significance for Hypertrophic cardiomyopathy 14. Last evaluated: 2023-02-04. Review status: criteria provided, single submitter. Criteria: Invitae Variant Classification Sherloc (09022015). Collection method: clinical testing. Allele origin: germline.
Comment: This variant has not been reported in the literature in individuals affected with MYH6-related conditions. In summary, the available evidence is currently insufficient to determine the role of this variant in disease. Therefore, it has been classified as a Variant of Uncertain Significance. Advanced modeling of protein sequence and biophysical properties (such as structural, functional, and spatial information, amino acid conservation, physicochemical variation, residue mobility, and thermodynamic stability) performed at Invitae indicates that this missense variant is expected to disrupt MYH6 protein function. This variant is not present in population databases (gnomAD no frequency). This sequence change replaces methionine, which is neutral and non-polar, with isoleucine, which is neutral and non-polar, at codon 778 of the MYH6 protein (p.Met778Ile).